The following is an entry in ClinVar:

NM_182961.4(SYNE1):c.4220C>T (p.Pro1407Leu)

Gene: SYNE1 (spectrin repeat containing nuclear envelope protein 1; minus strand). Cytogenetic location: 6q25.2.
Variant type: single nucleotide variant.
Coding change: c.4220C>T on transcript NM_182961.4 (MANE Select); coding-DNA position 4220, C replaced by T.
Protein change: p.Pro1407Leu; replaces proline 1407 with leucine.
Molecular consequence: missense variant.
Genome position (GRCh38, 1-based): chr6:152,436,031, G>A on the plus strand (C>T on the coding strand, the complement: SYNE1 is on the minus strand). VCF-style: chr6-152436031-G-A. GRCh37 (hg19) VCF-style: chr6-152757166-G-A.
Other names: c.4241C>T, p.Pro1414Leu (NM_033071.5); short protein forms P1407L, P1414L.
Identifiers: ClinVar variation 1916577 (VCV001916577.5), dbSNP rs199550235, ClinGen allele CA4058617.

ClinVar aggregate classification (germline): Uncertain significance. Review status: criteria provided, multiple submitters, no conflicts (2 of 4 stars). 2 submissions from 2 submitters: Uncertain significance (2). Last evaluated 2025-06-03.

Conditions:
Emery-Dreifuss muscular dystrophy 4, autosomal dominant (EDMD4). Also called: EMERY-DREIFUSS MUSCULAR DYSTROPHY 4 WITH VARIABLE FEATURES. Identifiers: Orphanet 261, MedGen C2751807, MONDO:0013071, OMIM 612998.
Autosomal recessive ataxia, Beauce type. Also called: SYNE1-Related Autosomal Recessive Cerebellar Ataxia; SYNE1 Deficiency; Spinocerebellar ataxia, autosomal recessive 8; ATAXIA, RECESSIVE, OF BEAUCE. Identifiers: Orphanet 88644, MedGen C1853116, MONDO:0012549, OMIM 610743.

Allele frequency attached by ClinVar (database versions not stated): TOPMed 0.00002; gnomAD exomes 0.00004; gnomAD 0.00007; ExAC 0.00015; 1000 Genomes Project 30x 0.00031; 1000 Genomes Project 0.00040.
gnomAD v4.1: 69 of 1,614,064 alleles (0.0043%); highest among the groups gnomAD compares: South Asian, 0.053%; 1 homozygote.

Submissions (2):

Revvity Omics, Revvity
Classification: Uncertain significance. Last evaluated: 2025-06-03. Review status: criteria provided, single submitter. Criteria: ACMG Guidelines, 2015. Collection method: clinical testing. Allele origin: germline.

Labcorp Genetics (formerly Invitae), Labcorp
Classification: Uncertain significance for Emery-Dreifuss muscular dystrophy 4, autosomal dominant; Autosomal recessive ataxia, Beauce type. Last evaluated: 2022-05-03. Review status: criteria provided, single submitter. Criteria: Invitae Variant Classification Sherloc (09022015). Collection method: clinical testing. Allele origin: germline.
Comment: This sequence change replaces proline, which is neutral and non-polar, with leucine, which is neutral and non-polar, at codon 1414 of the SYNE1 protein (p.Pro1414Leu). This variant is present in population databases (rs199550235, gnomAD 0.07%). This variant has not been reported in the literature in individuals affected with SYNE1-related conditions. Algorithms developed to predict the effect of missense changes on protein structure and function (SIFT, PolyPhen-2, Align-GVGD) all suggest that this variant is likely to be tolerated. In summary, the available evidence is currently insufficient to determine the role of this variant in disease. Therefore, it has been classified as a Variant of Uncertain Significance.